The following is an entry in ClinVar:

ClinVar aggregate classification (germline): Uncertain significance (1 of 4 stars; one submission).

Conditions:
Cystic fibrosis (CF). Also called: MUCOVISCIDOSIS. Identifiers: Orphanet 586, MedGen C0010674, MONDO:0009061, OMIM 219700. Disease mechanism: loss of function.

Submission:

Ambry Genetics
Classification: Uncertain significance for Cystic fibrosis. Last evaluated: 2022-05-26. Review status: criteria provided, single submitter. Criteria: Ambry Variant Classification Scheme 2023. Collection method: clinical testing. Allele origin: germline.
Comment: The p.V1318G variant (also known as c.3953T>G), located in coding exon 24 of the CFTR gene, results from a T to G substitution at nucleotide position 3953. The valine at codon 1318 is replaced by glycine, an amino acid with dissimilar properties. This alteration was identified in an individual with azoospermia (Poulou M et al. J Cyst Fibros, 2012 Jul;11:344-8). This amino acid position is highly conserved in available vertebrate species. In addition, this alteration is predicted to be deleterious by in silico analysis. Since supporting evidence is limited at this time, the clinical significance of this alteration remains unclear.

Literature cited by the submitters: PubMed 22326559.

NM_000492.4(CFTR):c.3953T>G (p.Val1318Gly)

Gene: CFTR (CF transmembrane conductance regulator; plus strand). Cytogenetic location: 7q31.2.
Variant type: single nucleotide variant.
Coding change: c.3953T>G on transcript NM_000492.4 (MANE Select); coding-DNA position 3953, T replaced by G.
Protein change: p.Val1318Gly; replaces valine 1318 with glycine.
Molecular consequence: missense variant.
Genome position (GRCh38, 1-based): chr7:117,652,921, T>G. VCF-style: chr7-117652921-T-G. GRCh37 (hg19) VCF-style: chr7-117292975-T-G.
Other names: short protein forms V1318G.
Identifiers: ClinVar variation 1736460 (VCV001736460.2), dbSNP rs397508648, ClinGen allele CA368978663.
Genomic context (GRCh38, chr7:117,652,921, plus strand): 5'-GAACATTTAGAAAAAACTTGGATCCCTATGAACAGTGGAGTGATCAAGAAATATGGAAAG[T>G]TGCAGATGAGGTAAGGCTGCTAACTGAAATGATTTTGAAAGGGGTAACTCATACCAACAC-3'
Protein context (NP_000483.3, residues 1308-1328): EQWSDQEIWK[Val1318Gly]ADEVGLRSVI